The following is an entry in ClinVar:

ClinVar aggregate classification (germline): Uncertain significance (1 of 4 stars; one submission).

Allele frequency attached by ClinVar (database versions not stated): gnomAD exomes below 0.00001.

Submission:

Labcorp Genetics (formerly Invitae), Labcorp
Classification: Uncertain significance. Last evaluated: 2022-11-07. Review status: criteria provided, single submitter. Criteria: Invitae Variant Classification Sherloc (09022015). Collection method: clinical testing. Allele origin: germline.
Comment: In summary, the available evidence is currently insufficient to determine the role of this variant in disease. Therefore, it has been classified as a Variant of Uncertain Significance. Algorithms developed to predict the effect of missense changes on protein structure and function are either unavailable or do not agree on the potential impact of this missense change (SIFT: "Deleterious"; PolyPhen-2: "Probably Damaging"; Align-GVGD: "Class C0"). This variant has not been reported in the literature in individuals affected with SON-related conditions. This variant is not present in population databases (gnomAD no frequency). This sequence change replaces methionine, which is neutral and non-polar, with valine, which is neutral and non-polar, at codon 1145 of the SON protein (p.Met1145Val).

NM_138927.4(SON):c.3433A>G (p.Met1145Val)

Gene: SON (SON DNA and RNA binding protein; plus strand). Cytogenetic location: 21q22.11.
Variant type: single nucleotide variant.
Coding change: c.3433A>G on transcript NM_138927.4 (MANE Select); coding-DNA position 3433, A replaced by G.
Protein change: p.Met1145Val; replaces methionine 1145 with valine.
Molecular consequence: missense variant. On other transcripts: non-coding transcript variant (1), intron variant (1).
Genome position (GRCh38, 1-based): chr21:33,552,664, A>G. VCF-style: chr21-33552664-A-G. GRCh37 (hg19) VCF-style: chr21-34924970-A-G.
Other names: c.3433A>G, p.Met1145Val (NM_001291411.2, NM_001412133.1, NM_032195.3 and 2 more transcripts); c.245-4492A>G (NM_001291412.3); short protein forms M1145V.
Identifiers: ClinVar variation 1969607 (VCV001969607.5), dbSNP rs2085834235, ClinGen allele CA410160186.